The following is an entry in ClinVar:

NM_000719.7(CACNA1C):c.1217+154G>C

Gene: CACNA1C (calcium voltage-gated channel subunit alpha1 C; plus strand). Cytogenetic location: 12p13.33.
Variant type: single nucleotide variant.
Coding change: c.1217+154G>C on transcript NM_000719.7 (MANE Select); 154 bases into the intron after coding-DNA position 1217, G replaced by C.
Molecular consequence: intron variant.
Genome position (GRCh38, 1-based): chr12:2,505,099, G>C. VCF-style: chr12-2505099-G-C. GRCh37 (hg19) VCF-style: chr12-2614265-G-C.
Other names: c.1217+560G>C (NM_001167624.3, NM_001167623.2, NM_001167625.2 and 1 more transcripts); c.1217+154G>C (NM_199460.4, NM_001129827.2, NM_001129832.2 and 14 more transcripts); c.1208+154G>C (NM_001129844.2).
Identifiers: ClinVar variation 676371 (VCV000676371.1), dbSNP rs376431932, ClinGen allele CA231606618.

ClinVar aggregate classification (germline): Likely benign (1 of 4 stars; one submission).

Allele frequency attached by ClinVar (database versions not stated): 1000 Genomes Project 0.00399; gnomAD 0.00410 and 0.00446; 1000 Genomes Project 30x 0.00422; TOPMed 0.00468.
gnomAD v4.1: 615 of 152,200 alleles (0.4%); highest among the groups gnomAD compares: African/African-American, 1.4%; 7 homozygotes.

Submission:

GeneDx
Classification: Likely benign. Last evaluated: 2018-06-14. Review status: criteria provided, single submitter. Criteria: GeneDx Variant Classification (06012015). Collection method: clinical testing. Allele origin: germline. Affected: yes.
Comment: This variant is considered likely benign or benign based on one or more of the following criteria: it is a conservative change, it occurs at a poorly conserved position in the protein, it is predicted to be benign by multiple in silico algorithms, and/or has population frequency not consistent with disease.